The following is an entry in ClinVar:

ClinVar aggregate classification (germline): Uncertain significance. Review status: criteria provided, multiple submitters, no conflicts (2 of 4 stars). 8 submissions from 8 submitters: Uncertain significance (8). Last evaluated 2026-02-02.

Conditions:
Familial cancer of breast. Also called: BREAST CANCER, FAMILIAL; Hereditary breast cancer; hereditary breast carcinoma. Identifiers: Orphanet 227535, MedGen C0346153, MONDO:0016419, OMIM 114480. Disease mechanism: loss of function.
Fanconi anemia complementation group J. Also called: BRIP1-Related Fanconi Anemia. Identifiers: Orphanet 84, MedGen C1836860, MONDO:0012187, OMIM 609054.
Hereditary cancer-predisposing syndrome. Also called: Neoplastic Syndromes, Hereditary; Tumor predisposition; Hereditary neoplastic syndrome; Hereditary Cancer Syndrome. Identifiers: Orphanet 140162, MedGen C0027672, MeSH D009386, MONDO:0015356.

Allele frequency attached by ClinVar (database versions not stated): gnomAD exomes 0.00001; gnomAD 0.00003; TOPMed 0.00003.
gnomAD v4.1: 11 of 1,613,712 alleles (0.00068%); highest among the groups gnomAD compares: African/African-American, 0.015%; no homozygotes.

Submissions (8):

Labcorp Genetics (formerly Invitae), Labcorp
Classification: Uncertain significance for Familial cancer of breast; Fanconi anemia complementation group J. Last evaluated: 2026-02-02. Review status: criteria provided, single submitter. Criteria: Invitae Variant Classification Sherloc (09022015). Collection method: clinical testing. Allele origin: germline.
Comment: This sequence change replaces glutamic acid, which is acidic and polar, with glycine, which is neutral and non-polar, at codon 296 of the BRIP1 protein (p.Glu296Gly). This variant is present in population databases (no rsID available, gnomAD 0.02%). This missense change has been observed in individual(s) with breast cancer (PMID: 35264596). ClinVar contains an entry for this variant (Variation ID: 241663). Invitae Evidence Modeling of protein sequence and biophysical properties (such as structural, functional, and spatial information, amino acid conservation, physicochemical variation, residue mobility, and thermodynamic stability) has been performed for this missense variant. However, the output from this modeling did not meet the statistical confidence thresholds required to predict the impact of this variant on BRIP1 protein function. In summary, the available evidence is currently insufficient to determine the role of this variant in disease. Therefore, it has been classified as a Variant of Uncertain Significance.

St. Jude Molecular Pathology, St. Jude Children's Research Hospital
Classification: Uncertain significance for Fanconi anemia complementation group J. Last evaluated: 2025-02-05. Review status: criteria provided, single submitter. Criteria: St. Jude Assertion Criteria 2020. Collection method: clinical testing. Allele origin: germline.
Comment: The BRIP1 c.887A>G p.(Glu296Gly) missense change has a maximum subpopulation frequency of 0.02% in gnomAD v2.1.1. The in silico tool REVEL predicts a deleterious effect on protein function, but to our knowledge this prediction has not been confirmed by functional studies. To our knowledge, this variant has not been reported as pathogenic in individuals with BRIP1-associated conditions. In summary, the evidence currently available is insufficient to determine the clinical significance of this variant. It has therefore been classified as of uncertain significance.

Fulgent Genetics
Classification: Uncertain significance for Familial cancer of breast; Fanconi anemia complementation group J. Last evaluated: 2024-03-20. Review status: criteria provided, single submitter. Criteria: ACMG Guidelines, 2015. Collection method: clinical testing. Allele origin: germline.

Ambry Genetics
Classification: Uncertain significance for Hereditary cancer-predisposing syndrome. Last evaluated: 2024-02-28. Review status: criteria provided, single submitter. Criteria: Ambry Variant Classification Scheme 2023. Collection method: clinical testing. Allele origin: germline.
Comment: The p.E296G variant (also known as c.887A>G), located in coding exon 6 of the BRIP1 gene, results from an A to G substitution at nucleotide position 887. The glutamic acid at codon 296 is replaced by glycine, an amino acid with similar properties. This variant identified in a cohort of 3,579 African males diagnosed with prostate cancer who underwent multi-gene panel testing (Matejcic M et al. JCO Precis Oncol, 2020 Jan;4:32-43). This alteration was also detected in a cohort of 1,663 Brazilian breast cancer patients who underwent hereditary multigene panel testing (Guindalini RSC et al. Sci Rep, 2022 Mar;12:4190). This amino acid position is highly conserved in available vertebrate species. In addition, the in silico prediction for this alteration is inconclusive. Based on the available evidence, the clinical significance of this alteration remains unclear.

GeneDx
Classification: Uncertain significance. Last evaluated: 2023-05-08. Review status: criteria provided, single submitter. Criteria: GeneDx Variant Classification Process June 2021. Collection method: clinical testing. Allele origin: germline. Affected: yes.
Comment: Not observed at significant frequency in large population cohorts (gnomAD); In silico analysis supports that this missense variant has a deleterious effect on protein structure/function; Observed in individuals with breast or prostate cancer (Matejcic et al., 2020; Guindalini et al., 2022); This variant is associated with the following publications: (PMID: 35264596, 32832836)

Color Diagnostics, LLC DBA Color Health
Classification: Uncertain significance for Hereditary cancer-predisposing syndrome. Last evaluated: 2023-03-06. Review status: criteria provided, single submitter. Criteria: ACMG Guidelines, 2015. Collection method: clinical testing. Allele origin: germline.
Comment: This missense variant replaces glutamic acid with glycine at codon 296 of the BRIP1 protein. Computational prediction suggests that this variant may have deleterious impact on protein structure and function (internally defined REVEL score threshold >= 0.7, PMID: 27666373). To our knowledge, functional studies have not been reported for this variant. This variant has not been reported in individuals affected with BRIP1-related disorders in the literature. This variant has been identified in 5/282294 chromosomes in the general population by the Genome Aggregation Database (gnomAD). The available evidence is insufficient to determine the role of this variant in disease conclusively. Therefore, this variant is classified as a Variant of Uncertain Significance.

Quest Diagnostics Nichols Institute San Juan Capistrano
Classification: Uncertain significance. Last evaluated: 2020-04-02. Review status: criteria provided, single submitter. Criteria: Quest Diagnostics criteria. Collection method: clinical testing. Allele origin: unknown.

Mendelics
Classification: Uncertain significance for Fanconi anemia, complementation group J. Last evaluated: 2018-07-02. Review status: criteria provided, single submitter. Criteria: Mendelics Assertion Criteria 2017. Collection method: clinical testing. Allele origin: unknown.

Literature cited by the submitters: PubMed 35264596 (cited by Labcorp Genetics (formerly Invitae), Labcorp and Ambry Genetics); PubMed 32832836 (cited by Ambry Genetics).

NM_032043.3(BRIP1):c.887A>G (p.Glu296Gly)

Gene: BRIP1 (BRCA1 interacting DNA helicase 1; minus strand). Cytogenetic location: 17q23.2.
Variant type: single nucleotide variant.
Coding change: c.887A>G on transcript NM_032043.3 (MANE Select); coding-DNA position 887, A replaced by G.
Protein change: p.Glu296Gly; replaces glutamic acid 296 with glycine.
Molecular consequence: missense variant.
Genome position (GRCh38, 1-based): chr17:61,808,498, T>C on the plus strand (A>G on the coding strand, the complement: BRIP1 is on the minus strand). VCF-style: chr17-61808498-T-C. GRCh37 (hg19) VCF-style: chr17-59885859-T-C.
Other names: short protein forms E296G.
Identifiers: ClinVar variation 241663 (VCV000241663.22), dbSNP rs878855158, ClinGen allele CA10583638.